The following is an entry in ClinVar:

NM_015425.6(POLR1A):c.1948C>T (p.Arg650Trp)

Gene: POLR1A (RNA polymerase I subunit A; minus strand). Cytogenetic location: 2p11.2.
Variant type: single nucleotide variant.
Coding change: c.1948C>T on transcript NM_015425.6 (MANE Select); coding-DNA position 1948, C replaced by T.
Protein change: p.Arg650Trp; replaces arginine 650 with tryptophan.
Molecular consequence: missense variant.
Genome position (GRCh38, 1-based): chr2:86,065,384, G>A on the plus strand (C>T on the coding strand, the complement: POLR1A is on the minus strand). VCF-style: chr2-86065384-G-A. GRCh37 (hg19) VCF-style: chr2-86292507-G-A.
Other names: short protein forms R650W.
Identifiers: ClinVar variation 2198722 (VCV002198722.4), dbSNP rs771110033, ClinGen allele CA1746210.

ClinVar aggregate classification (germline): Uncertain significance (1 of 4 stars; one submission).

Allele frequency attached by ClinVar (database versions not stated): ExAC 0.00003; TOPMed 0.00007; gnomAD 0.00008.
gnomAD v4.1: 207 of 1,613,954 alleles (0.013%); highest among the groups gnomAD compares: Non-Finnish European, 0.017%; no homozygotes.

Submission:

Labcorp Genetics (formerly Invitae), Labcorp
Classification: Uncertain significance. Last evaluated: 2024-01-19. Review status: criteria provided, single submitter. Criteria: Invitae Variant Classification Sherloc (09022015). Collection method: clinical testing. Allele origin: germline.
Comment: This sequence change replaces arginine, which is basic and polar, with tryptophan, which is neutral and slightly polar, at codon 650 of the POLR1A protein (p.Arg650Trp). This variant is present in population databases (rs771110033, gnomAD 0.01%). This variant has not been reported in the literature in individuals affected with POLR1A-related conditions. ClinVar contains an entry for this variant (Variation ID: 2198722). Advanced modeling of protein sequence and biophysical properties (such as structural, functional, and spatial information, amino acid conservation, physicochemical variation, residue mobility, and thermodynamic stability) performed at Invitae indicates that this missense variant is expected to disrupt POLR1A protein function with a positive predictive value of 80%. In summary, the available evidence is currently insufficient to determine the role of this variant in disease. Therefore, it has been classified as a Variant of Uncertain Significance.